The following is an entry in ClinVar:

NM_007294.4(BRCA1):c.5235CCA[1] (p.His1746del)

Gene: BRCA1 (BRCA1 DNA repair associated; minus strand). Cytogenetic location: 17q21.31.
Variant type: Microsatellite.
Coding change: c.5235CCA[1] on transcript NM_007294.4 (MANE Select); one copy of the 3-base unit CCA starting at c.5235; the reference has two copies in a row; one copy, 3 bases deleted.
Protein change: p.His1746del; deletes histidine 1746.
Molecular consequence: inframe deletion. On other transcripts: inframe indel (367), non-coding transcript variant (1).
Genome position (GRCh38, 1-based): chr17:43,057,089-43,057,091, TGG deleted on the plus strand (CCA on the coding strand, the reverse complement: BRCA1 is on the minus strand); deleting any 3 consecutive bases within chr17:43,057,089-43,057,095 gives the same sequence; the position shown is the placement nearest the transcript's 3' end. VCF-style (leftmost placement, unchanged base first): chr17-43057088-TTGG-T. GRCh37 (hg19) VCF-style: chr17-41209105-TTGG-T.
Other names: c.5228_5230ACC[1], p.His1744del (NM_001407634.1, NM_001407635.1, NM_001407636.1 and 14 more transcripts); c.1988_1990ACC[1], p.His664del (NM_001407972.1); c.1922_1924ACC[1], p.His642del (NM_007304.2, NM_001407979.1, NM_001407980.1 and 12 more transcripts); c.1925_1927ACC[1], p.His643del (NM_001407974.1, NM_001407975.1, NM_001407976.1 and 3 more transcripts); c.5298CCA[1], p.His1767del (NM_007300.4); c.5238_5240delCCA (NM_007294.3); c.5021_5023ACC[1], p.His1675del (NM_001407571.1, NM_001407894.1, NM_001407895.1 and 12 more transcripts); c.5300_5302ACC[1], p.His1768del (NM_001407581.1, NM_001407582.1); and 76 more; short protein forms H1699del, H1746del, H1767del, H642del, H1592del, H1617del, H1619del, H1635del.
Identifiers: ClinVar variation 825577 (VCV000825577.5), dbSNP rs1597810684, ClinGen allele CA915950054.
Genomic context (GRCh38, chr17:43,057,088, plus strand): 5'-TCAACTTGAGGGAGGGAGCTTTACCTTTCTGTCCTGGGATTCTCTTGCTCGCTTTGGACC[TTGG>T]TGGTTTCTTCCATTGACCACATCTCCTCTGACTTCAAAATCATGCTGAAAGAAACCAAAC-3'

ClinVar aggregate classification (germline): Uncertain significance (1 of 4 stars; one submission).

Conditions:
Hereditary cancer-predisposing syndrome. Also called: Neoplastic Syndromes, Hereditary; Tumor predisposition; Hereditary neoplastic syndrome; Hereditary Cancer Syndrome. Identifiers: Orphanet 140162, MedGen C0027672, MeSH D009386, MONDO:0015356.

Submission:

Ambry Genetics
Classification: Uncertain significance for Hereditary cancer-predisposing syndrome. Last evaluated: 2019-12-04. Review status: criteria provided, single submitter. Criteria: Ambry Variant Classification Scheme 2023. Collection method: clinical testing. Allele origin: germline.
Comment: The c.5238_5240delCCA variant (also known as p.H1746del) is located in coding exon 18 of the BRCA1 gene. This variant results from an in-frame CCA deletion at nucleotide positions 5238 to 5240. This results in the in-frame deletion of a histidine at codon 1746. This amino acid position is highly conserved in available vertebrate species. Since supporting evidence is limited at this time, the clinical significance of this alteration remains unclear.